The following is an entry in ClinVar:

ClinVar aggregate classification (germline): Uncertain significance. Review status: criteria provided, multiple submitters, no conflicts (2 of 4 stars). 2 submissions from 2 submitters: Uncertain significance (2). Last evaluated 2025-06-02.

Conditions:
Hereditary cancer-predisposing syndrome. Also called: Tumor predisposition; Hereditary neoplastic syndrome; Neoplastic Syndromes, Hereditary; Hereditary Cancer Syndrome. Identifiers: Orphanet 140162, MedGen C0027672, MeSH D009386, MONDO:0015356.

gnomAD v4.1: 1 of 1,614,170 alleles (0.000062%); highest among the groups gnomAD compares: Middle Eastern, 0.016%; no homozygotes.

Submissions (2):

Ambry Genetics
Classification: Uncertain significance for Hereditary cancer-predisposing syndrome. Last evaluated: 2025-06-02. Review status: criteria provided, single submitter. Criteria: Ambry Variant Classification Scheme 2023. Collection method: clinical testing. Allele origin: germline.
Comment: The p.G192V variant (also known as c.575G>T), located in coding exon 1 of the HOXB13 gene, results from a G to T substitution at nucleotide position 575. The glycine at codon 192 is replaced by valine, an amino acid with dissimilar properties. This amino acid position is not well conserved in available vertebrate species. In addition, the in silico prediction for this alteration is inconclusive. Based on the available evidence, the clinical significance of this variant remains unclear.

Labcorp Genetics (formerly Invitae), Labcorp
Classification: Uncertain significance. Last evaluated: 2025-02-02. Review status: criteria provided, single submitter. Criteria: Invitae Variant Classification Sherloc (09022015). Collection method: clinical testing. Allele origin: germline.
Comment: This sequence change replaces glycine, which is neutral and non-polar, with valine, which is neutral and non-polar, at codon 192 of the HOXB13 protein (p.Gly192Val). This variant is not present in population databases (gnomAD no frequency). This variant has not been reported in the literature in individuals affected with HOXB13-related conditions. ClinVar contains an entry for this variant (Variation ID: 1429316). Invitae Evidence Modeling of protein sequence and biophysical properties (such as structural, functional, and spatial information, amino acid conservation, physicochemical variation, residue mobility, and thermodynamic stability) indicates that this missense variant is not expected to disrupt HOXB13 protein function with a negative predictive value of 80%. In summary, the available evidence is currently insufficient to determine the role of this variant in disease. Therefore, it has been classified as a Variant of Uncertain Significance.

NM_006361.6(HOXB13):c.575G>T (p.Gly192Val)

Gene: HOXB13 (homeobox B13; minus strand). Cytogenetic location: 17q21.32.
Variant type: single nucleotide variant.
Coding change: c.575G>T on transcript NM_006361.6 (MANE Select); coding-DNA position 575, G replaced by T.
Protein change: p.Gly192Val; replaces glycine 192 with valine.
Molecular consequence: missense variant.
Genome position (GRCh38, 1-based): chr17:48,728,019, C>A on the plus strand (G>T on the coding strand, the complement: HOXB13 is on the minus strand). VCF-style: chr17-48728019-C-A. GRCh37 (hg19) VCF-style: chr17-46805381-C-A.
Other names: c.575G>T (NM_006361.5); short protein forms G192V.
Identifiers: ClinVar variation 1429316 (VCV001429316.8), dbSNP rs2143070847, ClinGen allele CA400107148.
Genomic context (GRCh38, chr17:48,728,019, plus strand): 5'-TCAGAGACAAGGGGACCCAGGGTAATAGAGGTACCTGCAAATGCTGCCTTCCAAAAGGGA[C>A]CTGGTGGGTTCTGTTCTCCCTGGCAACACATCTGGCTGTTCCAGCCACCAGCGAGAGCCC-3'
Protein context (NP_006352.2, residues 182-202): MCCQGEQNPP[Gly192Val]PFWKAAFADS